The following is an entry in ClinVar:

ClinVar aggregate classification (germline): Likely pathogenic (1 of 4 stars; one submission).

Conditions:
DDX41-related hematologic malignancy predisposition syndrome. Also called: Myeloproliferative/lymphoproliferative neoplasms, familial (multiple types), susceptibility to; DDX41-Associated Familial Myelodysplastic Syndrome and Acute Myeloid Leukemia. Identifiers: Orphanet 488647, MedGen C4225174, MONDO:0014809, OMIM 616871.

Submission:

Juno Genomics, Hangzhou Juno Genomics, Inc
Classification: Likely pathogenic for DDX41-related hematologic malignancy predisposition syndrome. Review status: criteria provided, single submitter. Criteria: ACMG Guidelines, 2015. Collection method: clinical testing. Allele origin: germline.
Comment: Absent from controls (or at extremely low frequency if recessive) in Genome Aggregation Database.;Null variant in a gene where loss of function (LOF) is a known mechanism of disease.

NM_016222.4(DDX41):c.1264del (p.Val422fs)

Gene: DDX41 (DEAD-box helicase 41; minus strand). Cytogenetic location: 5q35.3.
Variant type: Deletion.
Coding change: c.1264del on transcript NM_016222.4 (MANE Select); coding-DNA position 1264, one base deleted (G; older notation c.1264delG).
Protein change: p.Val422fs; shifts the reading frame from valine 422.
Molecular consequence: frameshift variant.
Genome position (GRCh38, 1-based): chr5:177,513,049, C deleted on the plus strand (G on the coding strand, the reverse complement: DDX41 is on the minus strand); the first of 2 consecutive C bases (chr5:177,513,049-177,513,050); deleting either gives the same sequence. VCF-style (leftmost placement, unchanged base first): chr5-177513048-AC-A. GRCh37 (hg19) VCF-style: chr5-176940049-AC-A.
Other names: c.886del, p.Val296fs (NM_001321732.2, NM_001321830.2); short protein forms V296fs, V422fs.
Identifiers: ClinVar variation 5019078 (VCV005019078.2).
Genomic context (GRCh38, chr5:177,513,048, plus strand): 5'-CGGCCTGGCCTGGCTGCACTCACAGGCGGGGGTGTCTTCTGCAGGCACTCGAGCAGGTAC[AC>A]CATCTTGGCCTCCTCCTTCACATATTCTACCTCCTGCCACCACAAAGATCAGGTCAGGTG-3'